The following is an entry in ClinVar:

ClinVar aggregate classification (germline): Benign/Likely benign. Review status: criteria provided, multiple submitters, no conflicts (2 of 4 stars). 4 submissions from 4 submitters: Benign (2); Likely benign (1). 1 of the submissions does not count toward it. Last evaluated 2025-11-01.

Conditions:
ADAMTS18-related disorder. Also called: ADAMTS18-related condition.
Inborn genetic diseases. Identifiers: MedGen C0950123, MeSH D030342.

gnomAD v4.1: 342 of 1,614,048 alleles (0.021%); highest among the groups gnomAD compares: Middle Eastern, 0.016%; 3 homozygotes.

Submissions (4):

Labcorp Genetics (formerly Invitae), Labcorp
Classification: Benign. Last evaluated: 2025-11-01. Review status: criteria provided, single submitter. Criteria: Invitae Variant Classification Sherloc (09022015). Collection method: clinical testing. Allele origin: germline.

Blueprint Genetics
Classification: Benign. Last evaluated: 2024-08-05. Review status: criteria provided, single submitter. Criteria: ACMG Guidelines, 2015. Collection method: clinical testing. Allele origin: germline.

Ambry Genetics
Classification: Likely benign for Inborn genetic diseases. Last evaluated: 2021-12-06. Review status: criteria provided, single submitter. Criteria: Ambry Variant Classification Scheme 2023. Collection method: clinical testing. Allele origin: germline.

PreventionGenetics, part of Exact Sciences
Classification: Benign for ADAMTS18-related condition. Last evaluated: 2019-07-23. Review status: no assertion criteria provided. Collection method: clinical testing. Allele origin: germline. Not counted in ClinVar's aggregate classification.
Comment: This variant is classified as benign based on ACMG/AMP sequence variant interpretation guidelines (Richards et al. 2015 PMID: 25741868, with internal and published modifications).

NM_199355.4(ADAMTS18):c.2480G>A (p.Arg827His)

Gene: ADAMTS18 (ADAM metallopeptidase with thrombospondin type 1 motif 18; minus strand). Cytogenetic location: 16q23.1.
Variant type: single nucleotide variant.
Coding change: c.2480G>A on transcript NM_199355.4 (MANE Select); coding-DNA position 2480, G replaced by A.
Protein change: p.Arg827His; replaces arginine 827 with histidine.
Molecular consequence: missense variant.
Genome position (GRCh38, 1-based): chr16:77,319,901, C>T on the plus strand (G>A on the coding strand, the complement: ADAMTS18 is on the minus strand). VCF-style: chr16-77319901-C-T. GRCh37 (hg19) VCF-style: chr16-77353798-C-T.
Other names: c.2480G>A (NM_199355.3, NM_199355.2); c.1964G>A, p.Arg655His (NM_001326358.2); short protein forms R655H, R827H.
Identifiers: ClinVar variation 1165565 (VCV001165565.13), dbSNP rs149031657, ClinGen allele CA8180895.